The following is an entry in ClinVar:

NC_000022.10:g.(?_41918814)_(41924617_?)del

Genes: ACO2 (aconitase 2; plus strand), POLR3H (RNA polymerase III subunit H; minus strand). Cytogenetic location: 22q13.2.
Variant type: Deletion.
Identifiers: ClinVar variation 2423684 (VCV002423684.4).

ClinVar aggregate classification (germline): Pathogenic (1 of 4 stars; one submission).

Submission:

Labcorp Genetics (formerly Invitae), Labcorp
Classification: Pathogenic. Last evaluated: 2022-08-31. Review status: criteria provided, single submitter. Criteria: Invitae Variant Classification Sherloc (09022015). Collection method: clinical testing. Allele origin: germline.
Comment: For these reasons, this variant has been classified as Pathogenic. This variant disrupts a region of the ACO2 protein in which other variant(s) (p.Ile718Thr) have been determined to be pathogenic (PMID: 32519519). This suggests that this is a clinically significant region of the protein, and that variants that disrupt it are likely to be disease-causing. This variant has not been reported in the literature in individuals affected with ACO2-related conditions. This variant results in a copy number gain of the genomic region encompassing exon(s) 10-18 of the ACO2 gene. This region includes the termination codon of the gene. This copy number gain extends beyond the assayed region for this gene and therefore may encompass additional genes. As the precise location of this event is unknown, it may be in tandem or it may be located elsewhere in the genome.

Literature cited by the submitters: PubMed 32519519.